The following is an entry in ClinVar:

NM_006736.6(DNAJB2):c.176A>G (p.Lys59Arg)

Gene: DNAJB2 (DnaJ heat shock protein family (Hsp40) member B2; plus strand). Cytogenetic location: 2q35.
Variant type: single nucleotide variant.
Coding change: c.176A>G on transcript NM_006736.6 (MANE Select); coding-DNA position 176, A replaced by G.
Protein change: p.Lys59Arg; replaces lysine 59 with arginine.
Molecular consequence: missense variant.
Genome position (GRCh38, 1-based): chr2:219,281,718, A>G. VCF-style: chr2-219281718-A-G. GRCh37 (hg19) VCF-style: chr2-220146440-A-G.
Other names: c.176A>G, p.Lys59Arg (NM_001039550.2); short protein forms K59R.
Identifiers: ClinVar variation 1063313 (VCV001063313.9), dbSNP rs1367297130, ClinGen allele CA350647613.
Genomic context (GRCh38, chr2:219,281,718, plus strand): 5'-TAGCCTGGGAGGGGAGCCCATCCCAGAGGGAGGGTGAAATGATCTGGTCTCTTTTTGCAG[A>G]GCACAAGCGGGAGATTTACGACCGCTATGGCCGGGAAGGGCTGACAGGGACAGGTAGGTG-3'
Protein context (NP_006727.2, residues 49-69): VAEAYEVLSD[Lys59Arg]HKREIYDRYG

ClinVar aggregate classification (germline): Uncertain significance (1 of 4 stars; one submission).

Conditions:
Neuronopathy, distal hereditary motor, autosomal recessive 5. Also called: Spinal muscular atrophy, distal, autosomal recessive, 5; Young adult-onset distal hereditary motor neuropathy; NEUROPATHY, DISTAL HEREDITARY MOTOR, AUTOSOMAL RECESSIVE 5. Identifiers: Orphanet 314485, Orphanet 443950, MedGen C4749918, MONDO:0013947, OMIM 614881.

Allele frequency attached by ClinVar (database versions not stated): gnomAD exomes 0.00002 and 0.00001.
gnomAD v4.1: 5 of 1,613,974 alleles (0.00031%); highest among the groups gnomAD compares: Admixed American, 0.0083%; 1 homozygote.

Submission:

Labcorp Genetics (formerly Invitae), Labcorp
Classification: Uncertain significance for Neuronopathy, distal hereditary motor, autosomal recessive 5. Last evaluated: 2022-02-03. Review status: criteria provided, single submitter. Criteria: Invitae Variant Classification Sherloc (09022015). Collection method: clinical testing. Allele origin: germline.
Comment: This variant is present in population databases (no rsID available, gnomAD 0.01%), including at least one homozygous and/or hemizygous individual. In summary, the available evidence is currently insufficient to determine the role of this variant in disease. Therefore, it has been classified as a Variant of Uncertain Significance. Algorithms developed to predict the effect of missense changes on protein structure and function (SIFT, PolyPhen-2, Align-GVGD) all suggest that this variant is likely to be tolerated. ClinVar contains an entry for this variant (Variation ID: 1063313). This variant has not been reported in the literature in individuals affected with DNAJB2-related conditions. This sequence change replaces lysine, which is basic and polar, with arginine, which is basic and polar, at codon 59 of the DNAJB2 protein (p.Lys59Arg).